The following is an entry in ClinVar:

ClinVar aggregate classification (germline): Uncertain significance (1 of 4 stars; one submission).

Allele frequency attached by ClinVar (database versions not stated): ExAC 0.00002; gnomAD 0.00002 and 0.00001; TOPMed 0.00002; gnomAD exomes 0.00001; 1000 Genomes Project 30x 0.00016; 1000 Genomes Project 0.00020.
gnomAD v4.1: 4 of 1,613,712 alleles (0.00025%); highest among the groups gnomAD compares: African/African-American, 0.004%; no homozygotes.

Submission:

Labcorp Genetics (formerly Invitae), Labcorp
Classification: Uncertain significance. Last evaluated: 2023-12-04. Review status: criteria provided, single submitter. Criteria: Invitae Variant Classification Sherloc (09022015). Collection method: clinical testing. Allele origin: germline.
Comment: This sequence change replaces valine, which is neutral and non-polar, with methionine, which is neutral and non-polar, at codon 387 of the RGS9 protein (p.Val387Met). This variant is present in population databases (rs577343938, gnomAD 0.01%). This variant has not been reported in the literature in individuals affected with RGS9-related conditions. ClinVar contains an entry for this variant (Variation ID: 1057956). Advanced modeling of protein sequence and biophysical properties (such as structural, functional, and spatial information, amino acid conservation, physicochemical variation, residue mobility, and thermodynamic stability) performed at Invitae indicates that this missense variant is not expected to disrupt RGS9 protein function with a negative predictive value of 80%. In summary, the available evidence is currently insufficient to determine the role of this variant in disease. Therefore, it has been classified as a Variant of Uncertain Significance.

NM_003835.4(RGS9):c.1159G>A (p.Val387Met)

Gene: RGS9 (regulator of G protein signaling 9; plus strand). Cytogenetic location: 17q24.1.
Variant type: single nucleotide variant.
Coding change: c.1159G>A on transcript NM_003835.4 (MANE Select); coding-DNA position 1159, G replaced by A.
Protein change: p.Val387Met; replaces valine 387 with methionine.
Molecular consequence: missense variant.
Genome position (GRCh38, 1-based): chr17:65,204,257, G>A. VCF-style: chr17-65204257-G-A. GRCh37 (hg19) VCF-style: chr17-63200375-G-A.
Other names: c.1150G>A, p.Val384Met (NM_001081955.3, NM_001165933.2); short protein forms V384M, V387M.
Identifiers: ClinVar variation 1057956 (VCV001057956.9), dbSNP rs577343938, ClinGen allele CA8717941.